The following is an entry in ClinVar:

NM_000548.5(TSC2):c.5126C>T (p.Pro1709Leu)

Gene: TSC2 (TSC complex subunit 2; plus strand). Cytogenetic location: 16p13.3.
Variant type: single nucleotide variant.
Coding change: c.5126C>T on transcript NM_000548.5 (MANE Select); coding-DNA position 5126, C replaced by T.
Protein change: p.Pro1709Leu; replaces proline 1709 with leucine.
Molecular consequence: missense variant.
Genome position (GRCh38, 1-based): chr16:2,088,105, C>T. VCF-style: chr16-2088105-C-T. GRCh37 (hg19) VCF-style: chr16-2138106-C-T.
Other names: c.4958C>T, p.Pro1653Leu (NM_001318832.2); c.4928C>T, p.Pro1643Leu (NM_001363528.2); c.4994C>T, p.Pro1665Leu (NM_001370404.1); c.4997C>T, p.Pro1666Leu (NM_001370405.1, NM_021055.3); c.4925C>T, p.Pro1642Leu (NM_001077183.3); c.5057C>T, p.Pro1686Leu (NM_001114382.3); c.4817C>T, p.Pro1606Leu (NM_001318827.2); c.4781C>T, p.Pro1594Leu (NM_001318829.2); and 1 more; short protein forms P1709L, P1594L, P1643L, P1653L, P1665L, P1642L, P1686L, P1465L.
Identifiers: ClinVar variation 49929 (VCV000049929.8), dbSNP rs45517393, ClinGen allele CA021795.

ClinVar aggregate classification (germline): Pathogenic. Review status: criteria provided, multiple submitters, no conflicts (2 of 4 stars). 4 submissions from 4 submitters: Pathogenic (3). 1 of the submissions does not count toward it. Last evaluated 2025-01-22.

Conditions:
Tuberous sclerosis 2 (TSC2). Identifiers: Orphanet 805, MedGen C1860707, MONDO:0013199, OMIM 613254.
Tuberous sclerosis syndrome (TSC). Also called: Tuberous Sclerosis Complex; Tuberous sclerosis. Identifiers: Orphanet 805, MedGen C0041341, MONDO:0001734.

Submissions (4):

Labcorp Genetics (formerly Invitae), Labcorp
Classification: Pathogenic for Tuberous sclerosis 2. Last evaluated: 2025-01-22. Review status: criteria provided, single submitter. Criteria: Invitae Variant Classification Sherloc (09022015). Collection method: clinical testing. Allele origin: germline.
Comment: This sequence change replaces proline, which is neutral and non-polar, with leucine, which is neutral and non-polar, at codon 1709 of the TSC2 protein (p.Pro1709Leu). This variant is not present in population databases (gnomAD no frequency). This missense change has been observed in individual(s) with tuberous sclerosis complex (PMID: 8824881, 10732801, 11112665, 11520734, 22867869, 22903760). In at least one individual the variant was observed to be de novo. ClinVar contains an entry for this variant (Variation ID: 49929). Invitae Evidence Modeling of protein sequence and biophysical properties (such as structural, functional, and spatial information, amino acid conservation, physicochemical variation, residue mobility, and thermodynamic stability) indicates that this missense variant is not expected to disrupt TSC2 protein function with a negative predictive value of 95%. Experimental studies have shown that this missense change affects TSC2 function (PMID: 22903760). For these reasons, this variant has been classified as Pathogenic.

GeneDx
Classification: Pathogenic. Last evaluated: 2023-04-24. Review status: criteria provided, single submitter. Criteria: GeneDx Variant Classification Process June 2021. Collection method: clinical testing. Allele origin: germline. Affected: yes.
Comment: Published functional studies demonstrate less effective inhibition of TORC1 activity (Hoogeveen-Westerveld et al., 2013); Not observed at significant frequency in large population cohorts (gnomAD); In silico analysis supports that this missense variant has a deleterious effect on protein structure/function; This variant is associated with the following publications: (PMID: 28968464, 30036593, 35571021, 18466115, 10732801, 11520734, 15798777, 22867869, 8824881, 32211034, 11112665, 22903760)

Division of Genomic Medicine, Department of Advanced Medicine, Medical Research Institute, Kanazawa Medical University
Classification: Pathogenic for Tuberous sclerosis 2. Last evaluated: 2022-07-19. Review status: criteria provided, single submitter. Criteria: ACMG Guidelines, 2015. Collection method: clinical testing. Allele origin: germline. Affected: yes. Observed: 1 variant allele.
Comment: According to ACMG GL 2015, this variant was detected de novo as a mosaic mutation (PS2), located in the GAP domain (PM1), absent from controls (PM2). Multiple lines of computational evidence support a deleterious effect (PP3), and reported as pathogenic in LOVD database (PP5).

Tuberous sclerosis database (TSC2)
No classification provided. Condition: TSC. Review status: no classification provided. Criteria: Tuberous Sclerosis Database Assertion Criteria 2015. Collection method: curation. Allele origin: germline. Affected: yes. Not counted in ClinVar's aggregate classification.

Literature cited by the submitters: PubMed 8824881 (cited by Labcorp Genetics (formerly Invitae), Labcorp); PubMed 10732801 (cited by Labcorp Genetics (formerly Invitae), Labcorp); PubMed 11112665 (cited by Labcorp Genetics (formerly Invitae), Labcorp); PubMed 11520734 (cited by Labcorp Genetics (formerly Invitae), Labcorp); PubMed 22867869 (cited by Labcorp Genetics (formerly Invitae), Labcorp); PubMed 22903760 (cited by Labcorp Genetics (formerly Invitae), Labcorp).